The following is an entry in ClinVar:

ClinVar aggregate classification (germline): Benign/Likely benign. Review status: criteria provided, multiple submitters, no conflicts (2 of 4 stars). 4 submissions from 4 submitters: Benign (1); Likely benign (3). Last evaluated 2024-07-18.

Conditions:
Hereditary cancer-predisposing syndrome. Also called: Neoplastic Syndromes, Hereditary; Tumor predisposition; Hereditary Cancer Syndrome; Hereditary neoplastic syndrome. Identifiers: Orphanet 140162, MedGen C0027672, MeSH D009386, MONDO:0015356.
BAP1-related tumor predisposition syndrome (TPDS1). Also called: Tumor susceptibility linked to germline BAP1 mutations; BAP1 tumor predisposition syndrome; COMMON Syndrome; TUMOR PREDISPOSITION SYNDROME 1. Identifiers: Orphanet 289539, MedGen C3280492, MONDO:0013692, OMIM 614327.

Allele frequency attached by ClinVar (database versions not stated): gnomAD exomes below 0.00001.

Submissions (4):

Myriad Genetics, Inc.
Classification: Benign for BAP1-related tumor predisposition syndrome. Last evaluated: 2024-07-18. Review status: criteria provided, single submitter. Criteria: Myriad Autosomal Dominant, Autosomal Recessive and X-Linked Classification Criteria (2023). Collection method: clinical testing. Allele origin: unknown.
Comment: This variant is considered benign. This variant is a silent/synonymous amino acid change and it is not expected to impact splicing.

Labcorp Genetics (formerly Invitae), Labcorp
Classification: Likely benign for BAP1-related tumor predisposition syndrome. Last evaluated: 2023-07-25. Review status: criteria provided, single submitter. Criteria: Invitae Variant Classification Sherloc (09022015). Collection method: clinical testing. Allele origin: germline.

Color Diagnostics, LLC DBA Color Health
Classification: Likely benign for Hereditary cancer-predisposing syndrome. Last evaluated: 2018-12-04. Review status: criteria provided, single submitter. Criteria: ACMG Guidelines, 2015. Collection method: clinical testing. Allele origin: germline.

Ambry Genetics
Classification: Likely benign for Hereditary cancer-predisposing syndrome. Last evaluated: 2018-11-28. Review status: criteria provided, single submitter. Criteria: Ambry Variant Classification Scheme 2023. Collection method: clinical testing. Allele origin: germline.

NM_004656.4(BAP1):c.2062C>T (p.Leu688=)

Gene: BAP1 (BRCA1 associated deubiquitinase 1; minus strand). Cytogenetic location: 3p21.1.
Variant type: single nucleotide variant.
Coding change: c.2062C>T on transcript NM_004656.4 (MANE Select); coding-DNA position 2062, C replaced by T.
Protein change: p.Leu688=; no amino-acid change (leucine 688 retained).
Molecular consequence: synonymous variant.
Genome position (GRCh38, 1-based): chr3:52,402,416, G>A on the plus strand (C>T on the coding strand, the complement: BAP1 is on the minus strand). VCF-style: chr3-52402416-G-A. GRCh37 (hg19) VCF-style: chr3-52436432-G-A.
Identifiers: ClinVar variation 820595 (VCV000820595.10), dbSNP rs1578218258, ClinGen allele CA433886161.
Genomic context (GRCh38, chr3:52,402,416, plus strand): 5'-GGCCGATGCTGACCCCTTGGCGCCGCCGCACGGAGATGTTCTGCTCCACTAGGTTGGCCA[G>A]CATGCCTGCGAAGAGGTAGAGACCCTTGAGCAGGTGCTGGCTGCCTCAGGCCAGGAGCTG-3'
Protein context (NP_004647.1, residues 678-698): FISMLAQEGM[Leu688=]ANLVEQNISV